The following is an entry in ClinVar:

NM_018136.5(ASPM):c.4342A>G (p.Ile1448Val)

Gene: ASPM (assembly factor for spindle microtubules; minus strand). Cytogenetic location: 1q31.3.
Variant type: single nucleotide variant.
Coding change: c.4342A>G on transcript NM_018136.5 (MANE Select); coding-DNA position 4342, A replaced by G.
Protein change: p.Ile1448Val; replaces isoleucine 1448 with valine.
Molecular consequence: missense variant. On other transcripts: intron variant (1).
Genome position (GRCh38, 1-based): chr1:197,104,909, T>C on the plus strand (A>G on the coding strand, the complement: ASPM is on the minus strand). VCF-style: chr1-197104909-T-C. GRCh37 (hg19) VCF-style: chr1-197074039-T-C.
Other names: c.4066-8745A>G (NM_001206846.2); short protein forms I1448V.
Identifiers: ClinVar variation 2868213 (VCV002868213.3), dbSNP rs764193681, ClinGen allele CA344030868.

ClinVar aggregate classification (germline): Uncertain significance (1 of 4 stars; one submission).

Allele frequency attached by ClinVar (database versions not stated): gnomAD 0.00001.
gnomAD v4.1: 2 of 1,611,820 alleles (0.00012%); highest among the groups gnomAD compares: Non-Finnish European, 0.000085%; no homozygotes.

Submission:

Labcorp Genetics (formerly Invitae), Labcorp
Classification: Uncertain significance. Last evaluated: 2023-12-18. Review status: criteria provided, single submitter. Criteria: Invitae Variant Classification Sherloc (09022015). Collection method: clinical testing. Allele origin: germline.
Comment: This sequence change replaces isoleucine, which is neutral and non-polar, with valine, which is neutral and non-polar, at codon 1448 of the ASPM protein (p.Ile1448Val). This variant is present in population databases (no rsID available, gnomAD 0.03%). This variant has not been reported in the literature in individuals affected with ASPM-related conditions. Advanced modeling of protein sequence and biophysical properties (such as structural, functional, and spatial information, amino acid conservation, physicochemical variation, residue mobility, and thermodynamic stability) performed at Invitae indicates that this missense variant is not expected to disrupt ASPM protein function with a negative predictive value of 80%. In summary, the available evidence is currently insufficient to determine the role of this variant in disease. Therefore, it has been classified as a Variant of Uncertain Significance.